The following is an entry in ClinVar:

NM_001199107.2(TBC1D24):c.1282G>A (p.Gly428Arg)

Gene: TBC1D24 (TBC1 domain family member 24; plus strand). Cytogenetic location: 16p13.3.
Variant type: single nucleotide variant.
Coding change: c.1282G>A on transcript NM_001199107.2 (MANE Select); coding-DNA position 1282, G replaced by A.
Protein change: p.Gly428Arg; replaces glycine 428 with arginine.
Molecular consequence: missense variant.
Genome position (GRCh38, 1-based): chr16:2,499,910, G>A. VCF-style: chr16-2499910-G-A. GRCh37 (hg19) VCF-style: chr16-2549911-G-A.
Other names: c.1282G>A (NM_001199107.1); c.1264G>A, p.Gly422Arg (NM_020705.3); short protein forms G422R, G428R.
Identifiers: ClinVar variation 2925589 (VCV002925589.5), dbSNP rs2065776554, ClinGen allele CA394380258.
Genomic context (GRCh38, chr16:2,499,910, plus strand): 5'-CTGTCCACAGACTGGAGTGAGAGAAATAAGTTTGGAGGCAAACTGGGCTTCTTTGGGACC[G>A]GAGAATGCTTTGTGTTTAGGGTGAGTGGGGCCAAGTGTCCCCAAACCCCCACGCAGACCC-3'
Protein context (NP_001186036.1, residues 418-438): FGGKLGFFGT[Gly428Arg]ECFVFRLQPE

ClinVar aggregate classification (germline): Uncertain significance. Review status: criteria provided, multiple submitters, no conflicts (2 of 4 stars). 3 submissions from 3 submitters: Uncertain significance (3). Last evaluated 2024-05-08.

Conditions:
Developmental and epileptic encephalopathy, 16 (DEE16). Also called: Early infantile epileptic encephalopathy 16; TBC1D24-Related Developmental and Epileptic Encephalopathy (DEE). Identifiers: Orphanet 293181, Orphanet 352596, MedGen C3809173, MONDO:0014133, OMIM 615338.
Autosomal dominant nonsyndromic hearing loss 65. Also called: Deafness, autosomal dominant 65; TBC1D24-Related Autosomal Dominant Nonsyndromic Hearing Loss (DFNA). Identifiers: Orphanet 90635, MedGen C3892048, MONDO:0014470, OMIM 616044.
Developmental and epileptic encephalopathy, 1 (DEE1). Also called: INFANTILE SPASM SYNDROME, X-LINKED 1; X-linked infantile spasms; West's syndrome; Tonic spasms with clustering, arrest of psychomotor development and hypsarrhythmia on EEG; X-Linked Infantile Spasm Syndrome; OHTAHARA SYNDROME, X-LINKED. Identifiers: MedGen C3463992, MONDO:0010632, OMIM 308350. Disease mechanism: loss of function.

Allele frequency attached by ClinVar (database versions not stated): TOPMed below 0.00001; gnomAD exomes 0.00001.

Submissions (3):

GeneDx
Classification: Uncertain significance. Last evaluated: 2024-05-08. Review status: criteria provided, single submitter. Criteria: GeneDx Variant Classification Process June 2021. Collection method: clinical testing. Allele origin: germline. Affected: yes.
Comment: Not observed at significant frequency in large population cohorts (gnomAD); In silico analysis supports that this missense variant has a deleterious effect on protein structure/function; This variant is associated with the following publications: (PMID: 31257402, 34341188, 35149262, 29176366, 36515421)

Labcorp Genetics (formerly Invitae), Labcorp
Classification: Uncertain significance for Developmental and epileptic encephalopathy, 1; Autosomal dominant nonsyndromic hearing loss 65. Last evaluated: 2023-10-10. Review status: criteria provided, single submitter. Criteria: Invitae Variant Classification Sherloc (09022015). Collection method: clinical testing. Allele origin: germline.
Comment: This sequence change replaces glycine, which is neutral and non-polar, with arginine, which is basic and polar, at codon 428 of the TBC1D24 protein (p.Gly428Arg). This variant is not present in population databases (gnomAD no frequency). This missense change has been observed in individual(s) with DOORS syndrome (PMID: 29176366). Advanced modeling of protein sequence and biophysical properties (such as structural, functional, and spatial information, amino acid conservation, physicochemical variation, residue mobility, and thermodynamic stability) performed at Invitae indicates that this missense variant is expected to disrupt TBC1D24 protein function. In summary, the available evidence is currently insufficient to determine the role of this variant in disease. Therefore, it has been classified as a Variant of Uncertain Significance.

Neuberg Centre For Genomic Medicine, NCGM
Classification: Uncertain significance for Developmental and epileptic encephalopathy, 16. Last evaluated: 2023-06-22. Review status: criteria provided, single submitter. Criteria: ACMG Guidelines, 2015. Collection method: clinical testing. Allele origin: germline. Inheritance: Autosomal recessive inheritance. Affected: yes.
Comment: The observed missense variant c.1282G>Ap.Gly428Arg in the TBC1D24 gene has not been reported previously as a pathogenic variant nor as a benign variant, to our knowledge. This variant is absent in the gnomAD Exomes. The amino acid Gly at position 428 is changed to a Arg changing protein sequence and it might alter its composition and physico-chemical properties. Multiple lines of computational evidence Polyphen - Damaging, SIFT - Damaging and MutationTaster - Disease causing predict a damaging effect on protein structure and function for this variant. The residue is conserved by GERP++ and PhyloP across 100 vertebrates. For these reasons, this variant has been classified as Uncertain Significance.

Literature cited by the submitters: PubMed 29176366 (cited by Labcorp Genetics (formerly Invitae), Labcorp).